The following is an entry in ClinVar:

NM_000152.5(GAA):c.340_341insT (p.Lys114fs)

Gene: GAA (alpha glucosidase; plus strand). Cytogenetic location: 17q25.3.
Variant type: Insertion.
Coding change: c.340_341insT on transcript NM_000152.5 (MANE Select); coding-DNA positions 340 to 341, T inserted.
Protein change: p.Lys114fs; shifts the reading frame from lysine 114.
Molecular consequence: frameshift variant.
Genome position: GRCh38 VCF-style: chr17-80104926-A-AT. GRCh37 (hg19) VCF-style: chr17-78078725-A-AT.
Other names: NM_000152.5(GAA):c.340_341insT; p.Lys114fs; c.340_341insT, p.Lys114fs (NM_001079803.3, NM_001079804.3); short protein forms K114fs.
Identifiers: ClinVar variation 1068640 (VCV001068640.16), dbSNP rs2143827701, ClinGen allele CA658795226.

ClinVar aggregate classification (germline): Pathogenic. Review status: reviewed by expert panel (3 of 4 stars). 7 submissions from 7 submitters: Pathogenic (1). 6 of the submissions do not count toward it. Last evaluated 2024-02-06.

Conditions:
Glycogen storage disease, type II (IOPD). Also called: POMPE DISEASE, INFANTILE-ONSET; GLYCOGEN STORAGE DISEASE II, INFANTILE-ONSET; ACID ALPHA-GLUCOSIDASE DEFICIENCY, INFANTILE-ONSET; GAA DEFICIENCY, INFANTILE-ONSET; ACID MALTASE DEFICIENCY, INFANTILE-ONSET; Pompe Disease. Identifiers: Orphanet 365, MedGen C0017921, MONDO:0009290, OMIM 232300.
GAA-related disorders.

Submissions (7):

ClinGen Lysosomal Storage Disorder Variant Curation Expert Panel
Classification: Pathogenic for Glycogen storage disease, type II. Last evaluated: 2024-02-06. Review status: reviewed by expert panel. Criteria: clingen_lsd_acmg_specifications_v2-1. Collection method: curation. Allele origin: germline. Inheritance: Autosomal recessive inheritance.
Comment: The NM_000152.5(GAA):c.340_341insT (p.Lys114Ilefs) variant in GAA is a frameshift variant predicted to cause a premature stop codon in biologically-relevant-exon 2/20, leading to nonsense mediated decay in a gene in which loss-of-function is an established disease mechanism (PVS1). One patient with this variant has been reported with infantile onset Pompe disease and a GAA enzyme activity level from dried blood of 0.13 pmol/punch/hr (PMID: 20821053) (PP4_Moderate). This patient, in addition to two other patients, is homozygous for the c.340_341insT variant in GAA (PMIDs: 14695532, 20821053, 21483992) (PM3_Supporting). The variant is absent in gnomAD v2.1.1. (PM2_Supporting). There is a ClinVar entry for this variant (Variation ID: 1068640). In summary, this variant meets the criteria to be classified as pathogenic for Pompe disease, based on the ACMG/AMP criteria applied, as specified by the ClinGen Lysosomal Diseases Variant Curation Expert panel. ACMG/AMP criteria applied (specifications version 2.0): PVS1, PP4_Moderate, PM2_Supporting, PM3_Supporting. (Classification approved by the ClinGen Lysosomal Diseases Variant Curation Expert Panel on February 6, 2024).

Genomenon, Inc
Classification: Pathogenic for Glycogen storage disease, type II. Last evaluated: 2026-07-01. Review status: criteria provided, single submitter. Criteria: Genomenon Sequence Variant Interpretation Standards - Updated. Collection method: curation. Allele origin: germline. Affected: yes. Not counted in ClinVar's aggregate classification.
Comment: GAA p.Lys114IlefsTer32 (c.340_341insT) is a frameshift variant that is predicted to introduce a premature termination codon and result in a truncated or absent protein product. This variant has been observed in at least one proband with a GAA-related disorder (PMID:14695532;20821053). Functional studies have been reported (PMID:22252923;31342611;37486520). It is absent or not present at a significant frequency in gnomAD. In conclusion, we classify GAA p.Lys114IlefsTer32 (c.340_341insT) as a pathogenic variant.

Dubai Health Genomic Medicine Center, Dubai Health
Classification: Pathogenic for Glycogen storage disease II. Last evaluated: 2024-10-04. Review status: criteria provided, single submitter. Criteria: ACMG Guidelines, 2015. Collection method: research. Allele origin: germline. Affected: yes. Not counted in ClinVar's aggregate classification.
Comment: PVS1,PM3,PM2

Women's Health and Genetics/Laboratory Corporation of America, LabCorp
Classification: Pathogenic for Glycogen storage disease, type II. Last evaluated: 2023-10-25. Review status: criteria provided, single submitter. Criteria: LabCorp Variant Classification Summary - May 2015. Collection method: clinical testing. Allele origin: germline. Not counted in ClinVar's aggregate classification.
Comment: Variant summary: GAA c.340_341insT (p.Lys114IlefsX32) results in a premature termination codon, predicted to cause a truncation of the encoded protein or absence of the protein due to nonsense mediated decay, which are commonly known mechanisms for disease. The variant was absent in 247738 control chromosomes. c.340_341insT has been reported in the literature in individuals affected with Glycogen Storage Disease, Type 2 (Pompe Disease) (e.g. Hamdan_2010). These data indicate that the variant may be associated with disease. To our knowledge, no experimental evidence demonstrating an impact on protein function has been reported. The following publication have been ascertained in the context of this evaluation (PMID: 20821053). One submitter has cited clinical-significance assessments for this variant to ClinVar after 2014 and has classified the variant as pathogenic. Based on the evidence outlined above, the variant was classified as pathogenic.

Labcorp Genetics (formerly Invitae), Labcorp
Classification: Pathogenic for Glycogen storage disease, type II. Last evaluated: 2023-06-23. Review status: criteria provided, single submitter. Criteria: Invitae Variant Classification Sherloc (09022015). Collection method: clinical testing. Allele origin: germline. Not counted in ClinVar's aggregate classification.
Comment: This variant is not present in population databases (gnomAD no frequency). This sequence change creates a premature translational stop signal (p.Lys114Ilefs*32) in the GAA gene. It is expected to result in an absent or disrupted protein product. Loss-of-function variants in GAA are known to be pathogenic (PMID: 18425781, 22252923). This premature translational stop signal has been observed in individual(s) with Pompe disease (PMID: 14695532, 22252923). ClinVar contains an entry for this variant (Variation ID: 1068640). For these reasons, this variant has been classified as Pathogenic.

Baylor Genetics
Classification: Pathogenic for Glycogen storage disease, type II. Last evaluated: 2023-04-29. Review status: criteria provided, single submitter. Criteria: ACMG Guidelines, 2015. Collection method: clinical testing. Allele origin: unknown. Not counted in ClinVar's aggregate classification.

Blueprint Genetics
Classification: Pathogenic for GAA-related disorders. Last evaluated: 2022-10-18. Review status: criteria provided, single submitter. Criteria: ACMG Guidelines, 2015. Collection method: clinical testing. Allele origin: germline. Affected: yes. Observed: 1 variant allele. Not counted in ClinVar's aggregate classification.

Literature cited by the submitters: PubMed 14695532 (cited by Genomenon, Inc and Labcorp Genetics (formerly Invitae), Labcorp); PubMed 20821053 (cited by Genomenon, Inc and Women's Health and Genetics/Laboratory Corporation of America, LabCorp); PubMed 22252923 (cited by Genomenon, Inc and Labcorp Genetics (formerly Invitae), Labcorp); PubMed 31342611 (cited by Genomenon, Inc); PubMed 37486520 (cited by Genomenon, Inc); PubMed 18425781 (cited by Labcorp Genetics (formerly Invitae), Labcorp).